The following is an entry in ClinVar:

NM_024596.5(MCPH1):c.857C>G (p.Ser286Ter)

Gene: MCPH1 (microcephalin 1; plus strand). Cytogenetic location: 8p23.1.
Variant type: single nucleotide variant.
Coding change: c.857C>G on transcript NM_024596.5 (MANE Select); coding-DNA position 857, C replaced by G.
Protein change: p.Ser286Ter; replaces serine 286 with a stop codon.
Molecular consequence: nonsense. On other transcripts: non-coding transcript variant (1).
Genome position (GRCh38, 1-based): chr8:6,444,579, C>G. VCF-style: chr8-6444579-C-G. GRCh37 (hg19) VCF-style: chr8-6302100-C-G.
Other names: c.857C>G, p.Ser286Ter (NM_001172574.2, NM_001322042.2, NM_001363979.1 and 3 more transcripts); c.713C>G, p.Ser238Ter (NM_001172575.2); c.851C>G, p.Ser284Ter (NM_001322043.2); c.755C>G, p.Ser252Ter (NM_001322045.2); short protein forms S284*, S252*, S238*, S286*.
Identifiers: ClinVar variation 2994549 (VCV002994549.3), dbSNP rs2486137594, ClinGen allele CA370220002.
Genomic context (GRCh38, chr8:6,444,579, plus strand): 5'-CACTTGTATTGAAAGCAAATAATATTCATTCATCACCATCTTTCACTCACCTCGATAAAT[C>G]AAGTCCTCAGAAATTTCTGAGTAATCTTTCAAAGGAAGAAATAAACTTGCAAAGAAATAT-3'

ClinVar aggregate classification (germline): Pathogenic (1 of 4 stars; one submission).

Allele frequency attached by ClinVar (database versions not stated): gnomAD exomes 0.00001.
gnomAD v4.1: 12 of 1,614,052 alleles (0.00074%); highest among the groups gnomAD compares: Non-Finnish European, 0.001%; no homozygotes.

Submission:

Labcorp Genetics (formerly Invitae), Labcorp
Classification: Pathogenic. Last evaluated: 2025-11-01. Review status: criteria provided, single submitter. Criteria: Invitae Variant Classification Sherloc (09022015). Collection method: clinical testing. Allele origin: germline.
Comment: This sequence change creates a premature translational stop signal (p.Ser286*) in the MCPH1 gene. It is expected to result in an absent or disrupted protein product. Loss-of-function variants in MCPH1 are known to be pathogenic (PMID: 20978018). This variant is not present in population databases (gnomAD no frequency). This variant has not been reported in the literature in individuals affected with MCPH1-related conditions. ClinVar contains an entry for this variant (Variation ID: 2994549). For these reasons, this variant has been classified as Pathogenic.

Literature cited by the submitters: PubMed 20978018.